The following is an entry in ClinVar:

NM_002778.4(PSAP):c.1291G>A (p.Glu431Lys)

Gene: PSAP (prosaposin; minus strand). Cytogenetic location: 10q22.1.
Variant type: single nucleotide variant.
Coding change: c.1291G>A on transcript NM_002778.4 (MANE Select); coding-DNA position 1291, G replaced by A.
Protein change: p.Glu431Lys; replaces glutamic acid 431 with lysine.
Molecular consequence: missense variant.
Genome position (GRCh38, 1-based): chr10:71,819,524, C>T on the plus strand (G>A on the coding strand, the complement: PSAP is on the minus strand). VCF-style: chr10-71819524-C-T. GRCh37 (hg19) VCF-style: chr10-73579281-C-T.
Other names: c.1300G>A, p.Glu434Lys (NM_001042465.3); c.1297G>A, p.Glu433Lys (NM_001042466.3); short protein forms E431K, E433K, E434K.
Identifiers: ClinVar variation 1464015 (VCV001464015.3), dbSNP rs973035615, ClinGen allele CA209454255.
Genomic context (GRCh38, chr10:71,819,524, plus strand): 5'-CCTGCTTCTGGTAAGGGTCTGGCAGGAAGCTGCAGCCTTTCTCAAGAGCAGCCAGGATCT[C>T]CTGCTTGGTGCTGTTTTTCTCCAGGTTGCGATCCAAATAACCCACCAGCTTCTTGCACAC-3'
Protein context (NP_002769.1, residues 421-441): RNLEKNSTKQ[Glu431Lys]ILAALEKGCS

ClinVar aggregate classification (germline): Uncertain significance (1 of 4 stars; one submission).

Conditions:
Sphingolipid activator protein 1 deficiency. Also called: Metachromatic leukodystrophy due to saposin B deficiency; METACHROMATIC LEUKODYSTROPHY DUE TO CEREBROSIDE SULFATASE ACTIVATOR DEFICIENCY; Saposin B Deficiency. Identifiers: Orphanet 512, MedGen C0268262, MONDO:0009590, OMIM 249900.

Submission:

Labcorp Genetics (formerly Invitae), Labcorp
Classification: Uncertain significance for Sphingolipid activator protein 1 deficiency. Last evaluated: 2022-10-14. Review status: criteria provided, single submitter. Criteria: Invitae Variant Classification Sherloc (09022015). Collection method: clinical testing. Allele origin: germline.
Comment: This sequence change replaces glutamic acid, which is acidic and polar, with lysine, which is basic and polar, at codon 431 of the PSAP protein (p.Glu431Lys). This variant is not present in population databases (gnomAD no frequency). This variant has not been reported in the literature in individuals affected with PSAP-related conditions. ClinVar contains an entry for this variant (Variation ID: 1464015). Advanced modeling of protein sequence and biophysical properties (such as structural, functional, and spatial information, amino acid conservation, physicochemical variation, residue mobility, and thermodynamic stability) performed at Invitae indicates that this missense variant is not expected to disrupt PSAP protein function. In summary, the available evidence is currently insufficient to determine the role of this variant in disease. Therefore, it has been classified as a Variant of Uncertain Significance.